The following is an entry in ClinVar:

NM_138387.4(G6PC3):c.470T>G (p.Val157Gly)

Gene: G6PC3 (glucose-6-phosphatase catalytic subunit 3; plus strand). Cytogenetic location: 17q21.31.
Variant type: single nucleotide variant.
Coding change: c.470T>G on transcript NM_138387.4 (MANE Select); coding-DNA position 470, T replaced by G.
Protein change: p.Val157Gly; replaces valine 157 with glycine.
Molecular consequence: missense variant. On other transcripts: intron variant (1).
Genome position (GRCh38, 1-based): chr17:44,075,022, T>G. VCF-style: chr17-44075022-T-G. GRCh37 (hg19) VCF-style: chr17-42152390-T-G.
Other names: c.125T>G, p.Val42Gly (NM_001384165.1, NM_001384166.1, NM_001384167.1 and 1 more transcripts); c.416+252T>G (NM_001319945.2); short protein forms V42G, V157G.
Identifiers: ClinVar variation 5022105 (VCV005022105.1).
Genomic context (GRCh38, chr17:44,075,022, plus strand): 5'-TTTCTAGCCGCTGGGTAAGGGTGATGCCTAGCCTGGCTTATTGCACCTTCCTTTTGGCGG[T>G]TGGCTTGTCGCGAATCTTCATCTTAGCACATTTCCCTCACCAGGTGCTGGCTGGCCTAAT-3'
Protein context (NP_612396.1, residues 147-167): SLAYCTFLLA[Val157Gly]GLSRIFILAH

ClinVar aggregate classification (germline): Uncertain significance (1 of 4 stars; one submission).

Conditions:
Inborn genetic diseases. Identifiers: MedGen C0950123, MeSH D030342.

Submission:

Ambry Genetics
Classification: Uncertain significance for Inborn genetic diseases. Last evaluated: 2026-09-07. Review status: criteria provided, single submitter. Criteria: Ambry Variant Classification Scheme 2023. Collection method: clinical testing. Allele origin: germline.
Comment: The p.V157G variant (also known as c.470T>G), located in coding exon 4 of the G6PC3 gene, results from a T to G substitution at nucleotide position 470. The valine at codon 157 is replaced by glycine, an amino acid with dissimilar properties. This amino acid position is conserved. In addition, this alteration is predicted to be deleterious by in silico analysis. Based on the available evidence, the clinical significance of this variant remains unclear.